The following is an entry in ClinVar:

NM_005956.4(MTHFD1):c.1811A>T (p.Asp604Val)

Gene: MTHFD1 (methylenetetrahydrofolate dehydrogenase, cyclohydrolase and formyltetrahydrofolate synthetase 1; plus strand). Cytogenetic location: 14q23.3.
Variant type: single nucleotide variant.
Coding change: c.1811A>T on transcript NM_005956.4 (MANE Select); coding-DNA position 1811, A replaced by T.
Protein change: p.Asp604Val; replaces aspartic acid 604 with valine.
Molecular consequence: missense variant.
Genome position (GRCh38, 1-based): chr14:64,440,262, A>T. VCF-style: chr14-64440262-A-T. GRCh37 (hg19) VCF-style: chr14-64906980-A-T.
Other names: c.1811A>T, p.Asp604Val (NM_001364837.1); short protein forms D604V.
Identifiers: ClinVar variation 2040236 (VCV002040236.4), dbSNP rs2550504245, ClinGen allele CA389996046.
Genomic context (GRCh38, chr14:64,440,262, plus strand): 5'-AGAGACTGGGCAAAATGGTGGTGGCATCCAGTAAGAAAGGAGAGCCCGTCAGTGCCGAAG[A>T]TCTGGTGGGTACCCAGACACGCCAGGCTTGGCGACATATCTGTGTCTGTTGTCCTAGGGT-3'
Protein context (NP_005947.3, residues 594-614): SKKGEPVSAE[Asp604Val]LGVSGALTVL

ClinVar aggregate classification (germline): Uncertain significance (1 of 4 stars; one submission).

Submission:

Labcorp Genetics (formerly Invitae), Labcorp
Classification: Uncertain significance. Last evaluated: 2022-07-05. Review status: criteria provided, single submitter. Criteria: Invitae Variant Classification Sherloc (09022015). Collection method: clinical testing. Allele origin: germline.
Comment: In summary, the available evidence is currently insufficient to determine the role of this variant in disease. Therefore, it has been classified as a Variant of Uncertain Significance. Algorithms developed to predict the effect of missense changes on protein structure and function are either unavailable or do not agree on the potential impact of this missense change (SIFT: "Deleterious"; PolyPhen-2: "Probably Damaging"; Align-GVGD: "Class C0"). This variant has not been reported in the literature in individuals affected with MTHFD1-related conditions. This variant is not present in population databases (gnomAD no frequency). This sequence change replaces aspartic acid, which is acidic and polar, with valine, which is neutral and non-polar, at codon 604 of the MTHFD1 protein (p.Asp604Val).